The following is an entry in ClinVar:

ClinVar aggregate classification (germline): Pathogenic. Review status: criteria provided, multiple submitters, no conflicts (2 of 4 stars). 6 submissions from 6 submitters: Pathogenic (6). Last evaluated 2025-09-14.

Conditions:
Hereditary cancer-predisposing syndrome. Also called: Hereditary neoplastic syndrome; Tumor predisposition; Neoplastic Syndromes, Hereditary; Hereditary Cancer Syndrome. Identifiers: Orphanet 140162, MedGen C0027672, MeSH D009386, MONDO:0015356.
Peutz-Jeghers syndrome (PJS). Also called: Peutz-Jeghers polyposis; Periorificial lentiginosis syndrome; POLYPOSIS, HAMARTOMATOUS INTESTINAL; POLYPS-AND-SPOTS SYNDROME. Identifiers: Orphanet 2869, MedGen C0031269, MeSH D010580, MONDO:0008280, OMIM 175200.

Submissions (6):

Labcorp Genetics (formerly Invitae), Labcorp
Classification: Pathogenic for Peutz-Jeghers syndrome. Last evaluated: 2025-09-14. Review status: criteria provided, single submitter. Criteria: Invitae Variant Classification Sherloc (09022015). Collection method: clinical testing. Allele origin: germline.
Comment: This sequence change creates a premature translational stop signal (p.Gln214*) in the STK11 gene. It is expected to result in an absent or disrupted protein product. Loss-of-function variants in STK11 are known to be pathogenic (PMID: 15188174, 16287113). This variant is not present in population databases (gnomAD no frequency). This premature translational stop signal has been observed in individual(s) with Peutz-Jeghers syndrome (PMID: 19727776, 26979979). ClinVar contains an entry for this variant (Variation ID: 428759). For these reasons, this variant has been classified as Pathogenic.

Department of Clinical Genetics, Copenhagen University Hospital, Rigshospitalet
Classification: Pathogenic for Peutz-Jeghers syndrome. Last evaluated: 2025-01-10. Review status: criteria provided, single submitter. Criteria: ACMG Guidelines, 2015. Collection method: clinical testing. Allele origin: germline. Affected: yes.
Comment: The following ACMG criteria was used: PVS1; PM2_SUP; PS4_SUP

Genome-Nilou Lab
Classification: Pathogenic for Peutz-Jeghers syndrome. Last evaluated: 2021-07-15. Review status: criteria provided, single submitter. Criteria: ACMG Guidelines, 2015. Collection method: clinical testing. Allele origin: germline. Affected: no.

Women's Health and Genetics/Laboratory Corporation of America, LabCorp
Classification: Pathogenic for Peutz-Jeghers syndrome. Last evaluated: 2020-11-25. Review status: criteria provided, single submitter. Criteria: LabCorp Variant Classification Summary - May 2015. Collection method: clinical testing. Allele origin: germline.
Comment: Variant summary: STK11 c.640C>T (p.Gln214X) results in a premature termination codon, predicted to cause a truncation of the encoded protein or absence of the protein due to nonsense mediated decay, which are commonly known mechanisms for disease. Truncations downstream of this position have been classified as pathogenic by our laboratory. The variant was absent in 225526 control chromosomes. c.640C>T has been reported in the literature in individuals affected with Peutz-Jeghers Syndrome (example, Schumacher_2005, McKay_2016, LaDuca_2017, Salloch_2010). These data indicate that the variant is likely to be associated with disease. To our knowledge, no experimental evidence demonstrating an impact on protein function has been reported. No clinical diagnostic laboratories have submitted clinical-significance assessments for this variant to ClinVar after 2014. Based on the evidence outlined above, the variant was classified as pathogenic.

Arcensus
Classification: Pathogenic for Peutz-Jeghers syndrome. Last evaluated: 2013-02-01. Review status: criteria provided, single submitter. Criteria: ACMG Guidelines, 2015. Collection method: clinical testing. Allele origin: germline. Affected: yes.

Ambry Genetics
Classification: Pathogenic for Hereditary cancer-predisposing syndrome. Last evaluated: 2012-11-29. Review status: criteria provided, single submitter. Criteria: Ambry Autosomal Dominant and X-Linked criteria (10/2015). Collection method: clinical testing. Allele origin: germline. Observed: 1 variant allele.
Comment: This alteration is expected to result in loss of function by premature protein truncation or nonsense-mediatedâ€¯mRNAâ€¯decay.â€¯As such, this alteration is interpreted as a disease-causing mutation.

Literature cited by the submitters: PubMed 15188174 (cited by Labcorp Genetics (formerly Invitae), Labcorp); PubMed 16287113 (cited by Labcorp Genetics (formerly Invitae), Labcorp); PubMed 19727776 (cited by Labcorp Genetics (formerly Invitae), Labcorp and Women's Health and Genetics/Laboratory Corporation of America, LabCorp); PubMed 26979979 (cited by Labcorp Genetics (formerly Invitae), Labcorp); PubMed 37017260 (cited by Department of Clinical Genetics, Copenhagen University Hospital, Rigshospitalet); PubMed 28152038 (cited by Women's Health and Genetics/Laboratory Corporation of America, LabCorp); PubMed 15863673 (cited by Women's Health and Genetics/Laboratory Corporation of America, LabCorp); PubMed 26386697 (cited by Women's Health and Genetics/Laboratory Corporation of America, LabCorp).

NM_000455.5(STK11):c.640C>T (p.Gln214Ter)

Gene: STK11 (serine/threonine kinase 11; plus strand). Cytogenetic location: 19p13.3.
Variant type: single nucleotide variant.
Coding change: c.640C>T on transcript NM_000455.5 (MANE Select); coding-DNA position 640, C replaced by T.
Protein change: p.Gln214Ter; replaces glutamine 214 with a stop codon.
Molecular consequence: nonsense.
Genome position (GRCh38, 1-based): chr19:1,220,623, C>T. VCF-style: chr19-1220623-C-T. GRCh37 (hg19) VCF-style: chr19-1220622-C-T.
Other names: short protein forms Q214*.
Identifiers: ClinVar variation 428759 (VCV000428759.24), dbSNP rs1131690923, ClinGen allele CA402949571.